The following is an entry in ClinVar:

NM_001244008.2(KIF1A):c.2946C>A (p.Gly982=)

Gene: KIF1A (kinesin family member 1A; minus strand). Cytogenetic location: 2q37.3.
Variant type: single nucleotide variant.
Coding change: c.2946C>A on transcript NM_001244008.2 (MANE Select); coding-DNA position 2946, C replaced by A.
Protein change: p.Gly982=; no amino-acid change (glycine 982 retained).
Molecular consequence: synonymous variant.
Genome position (GRCh38, 1-based): chr2:240,750,460, G>T on the plus strand (C>A on the coding strand, the complement: KIF1A is on the minus strand). VCF-style: chr2-240750460-G-T. GRCh37 (hg19) VCF-style: chr2-241689877-G-T.
Other names: c.2670C>A, p.Gly890= (NM_001320705.2, NM_001330289.2, NM_001379638.1); c.2745C>A, p.Gly915= (NM_001330290.2, NM_001379634.1, NM_001379635.1 and 1 more transcripts); c.3021C>A, p.Gly1007= (NM_001379631.1); c.2895C>A, p.Gly965= (NM_001379632.1); c.2919C>A, p.Gly973= (NM_001379633.1, NM_001379642.1, NM_001379645.1); c.2643C>A, p.Gly881= (NM_001379636.1, NM_001379639.1, NM_001379640.1 and 6 more transcripts); c.2718C>A, p.Gly906= (NM_001379637.1, NM_001379648.1).
Identifiers: ClinVar variation 733043 (VCV000733043.25), dbSNP rs763345238, ClinGen allele CA432031624.

ClinVar aggregate classification (germline): Likely benign. Review status: criteria provided, multiple submitters, no conflicts (2 of 4 stars). 2 submissions from 2 submitters: Likely benign (2). Last evaluated 2024-08-01.

Conditions:
Neuropathy, hereditary sensory, type 2C. Also called: Hereditary sensory and autonomic neuropathy type IIC; KIF1A-Related HSAN2 (HSAN2C). Identifiers: Orphanet 970, MedGen C3280168, MONDO:0013634, OMIM 614213.
Intellectual disability, autosomal dominant 9 (NESCAVS). Also called: NESCAV SYNDROME; KIF1A-Related Neurodevelopmental Disorder. Identifiers: Orphanet 662367, MedGen C5393830, MONDO:0013656, OMIM 614255.
Hereditary spastic paraplegia 30. Identifiers: Orphanet 101010, MedGen C5235139, MONDO:0012476.

Submissions (2):

CeGaT Center for Human Genetics Tuebingen
Classification: Likely benign. Last evaluated: 2024-08-01. Review status: criteria provided, single submitter. Criteria: CeGaT Center For Human Genetics Tuebingen Variant Classification Criteria Version 2. Collection method: clinical testing. Allele origin: germline. Affected: yes. Observed: 1 variant allele.
Comment: KIF1A: BP4, BP7

Labcorp Genetics (formerly Invitae), Labcorp
Classification: Likely benign for Hereditary spastic paraplegia 30; Neuropathy, hereditary sensory, type 2C; Intellectual disability, autosomal dominant 9. Last evaluated: 2023-10-15. Review status: criteria provided, single submitter. Criteria: Invitae Variant Classification Sherloc (09022015). Collection method: clinical testing. Allele origin: germline.